The following is an entry in ClinVar:

ClinVar aggregate classification (germline): Pathogenic (1 of 4 stars; one submission).

Conditions:
Hereditary cancer-predisposing syndrome. Also called: Neoplastic Syndromes, Hereditary; Tumor predisposition; Hereditary neoplastic syndrome; Hereditary Cancer Syndrome. Identifiers: Orphanet 140162, MedGen C0027672, MeSH D009386, MONDO:0015356.

Submission:

Ambry Genetics
Classification: Pathogenic for Hereditary cancer-predisposing syndrome. Last evaluated: 2019-10-02. Review status: criteria provided, single submitter. Criteria: Ambry Variant Classification Scheme 2023. Collection method: clinical testing. Allele origin: germline.
Comment: The c.509_516delATAGTCTT pathogenic mutation, located in coding exon 4 of the APC gene, results from a deletion of 8 nucleotides at nucleotide positions 509 to 516, causing a translational frameshift with a predicted alternate stop codon (p.D170Afs*4). This alteration is expected to result in loss of function by premature protein truncation or nonsense-mediated mRNA decay. As such, this alteration is interpreted as a disease-causing mutation.

NM_000038.6(APC):c.509_516del (p.Asp170fs)

Gene: APC (APC regulator of Wnt signaling pathway; plus strand). Cytogenetic location: 5q22.2.
Variant type: Deletion.
Coding change: c.509_516del on transcript NM_000038.6 (MANE Select); coding-DNA positions 509 to 516, 8 bases deleted (ATAGTCTT; older notation c.509_516delATAGTCTT).
Protein change: p.Asp170fs; shifts the reading frame from aspartic acid 170.
Molecular consequence: frameshift variant. On other transcripts: 5 prime UTR variant (1).
Genome position (GRCh38, 1-based): chr5:112,775,715-112,775,722, ATAGTCTT deleted. VCF-style (leftmost placement, unchanged base first): chr5-112775714-GATAGTCTT-G. GRCh37 (hg19) VCF-style: chr5-112111411-GATAGTCTT-G.
Other names: c.509_516del, p.Asp170fs (NM_001127510.3, NM_001354895.2, NM_001354896.2 and 2 more transcripts); c.539_546del, p.Asp180fs (NM_001127511.3, NM_001354897.2, NM_001354902.2); c.434_441del, p.Asp145fs (NM_001354898.2, NM_001354904.2); c.332_339del, p.Asp111fs (NM_001354900.2, NM_001354901.2, NM_001354905.2); c.-527_-520del (NM_001354906.2); short protein forms D111fs, D145fs, D170fs, D180fs.
Identifiers: ClinVar variation 825430 (VCV000825430.4), dbSNP rs1580359502, ClinGen allele CA915943445.